The following is an entry in ClinVar:

NM_022356.4(P3H1):c.1080+1G>T

Gene: P3H1 (prolyl 3-hydroxylase 1; minus strand). Cytogenetic location: 1p34.2.
Variant type: single nucleotide variant.
Coding change: c.1080+1G>T on transcript NM_022356.4 (MANE Select); the canonical splice donor site of the intron after coding-DNA position 1080, G replaced by T.
Molecular consequence: splice donor variant.
Genome position (GRCh38, 1-based): chr1:42,757,782, C>A on the plus strand (G>T on the coding strand, the complement: P3H1 is on the minus strand). VCF-style: chr1-42757782-C-A. GRCh37 (hg19) VCF-style: chr1-43223453-C-A.
Other names: P3H1, IVS5, G-T, +1; IVS5, G-T, +1; c.1080+1G>T (NM_001146289.2, NM_001243246.2).
Identifiers: ClinVar variation 1253 (VCV000001253.66), dbSNP rs72659351, ClinGen allele CA212756.

ClinVar aggregate classification (germline): Pathogenic. Review status: criteria provided, multiple submitters, no conflicts (2 of 4 stars). 15 submissions from 15 submitters: Pathogenic (13). 2 of the submissions do not count toward it. Last evaluated 2026-03-24.

Conditions:
P3H1-related disorder. Also called: P3H1-related condition.
P3H1-related disorders.
Osteogenesis imperfecta type III (OI3). Also called: Osteogenesis imperfecta type 3; OI type 3; Osteogenesis imperfecta, progressively deforming with normal sclerae; OI type III; Progressively Deforming Osteogenesis Imperfecta. Identifiers: Orphanet 216812, Orphanet 666, MedGen C0268362, MONDO:0009804, OMIM 259420.
Osteogenesis imperfecta (OI). Identifiers: Orphanet 666, MedGen C0029434, MeSH D010013, MONDO:0019019.
Osteogenesis imperfecta type 8 (OI8). Identifiers: MedGen C1970458, MONDO:0012581, OMIM 610915.

Allele frequency attached by ClinVar (database versions not stated): gnomAD exomes 0.00008 and 0.00021; ExAC 0.00022; 1000 Genomes Project 30x 0.00047; 1000 Genomes Project 0.00060; gnomAD 0.00060 and 0.00068; TOPMed 0.00066; ESP Exome Variant Server 0.00100.
gnomAD v4.1: 204 of 1,614,232 alleles (0.013%); highest among the groups gnomAD compares: African/African-American, 0.25%; no homozygotes.

Submissions (15):

Women's Health and Genetics/Laboratory Corporation of America, LabCorp
Classification: Pathogenic for Osteogenesis imperfecta. Last evaluated: 2026-03-24. Review status: criteria provided, single submitter. Criteria: LabCorp Variant Classification Summary - May 2015. Collection method: clinical testing. Allele origin: germline.
Comment: Variant summary: P3H1 c.1080+1G>T is located in a canonical splice-site and is predicted to affect mRNA splicing resulting in a significantly altered protein due to either exon skipping, shortening, or inclusion of intronic material. Variants that disrupt the consensus splice site are a relatively common cause of aberrant splicing and loss of P3H1 function. Several computational tools predict a significant impact on normal splicing: Four predict the variant abolishes a 5' splicing donor site. Three predict the variant creates a 5' donor site. Two predict the variant strengthens a cryptic 5' donor site. At least one publication reports experimental evidence that this variant affects mRNA splicing in patient fibroblasts, demonstrating a severe decrease in both transcript and protein levels for P3H1, attributed to the creation of multiple isoforms with novel stop codons (example, Cabral_2007). The variant allele was found at a frequency of 0.00013 in 1614232 control chromosomes, predominantly at a frequency of 0.0025 within the African or African-American subpopulation in the gnomAD database. The observed variant frequency within African or African-American control individuals in the gnomAD database exceeds the estimated maximal expected allele frequency for disease-causing variants in P3H1. c.1080+1G>T has been observed in the homozygous and compound heterozygous state in numerous individuals affected with Osteogenesis Imperfecta (example, Cabral_2007, Cabral_2012) and has been suggested as a West African founder mutation. These data indicate that the variant is very likely to be associated with disease. At least one publication reports experimental evidence evaluating an impact on protein function in patient cells. The most pronounced variant effect results in total absence of P3H1 protein by Western blotting (example, Cabral_2007). ClinVar contains an entry for this variant (Variation ID: 1253). Based on the evidence outlined above, the variant was classified as pathogenic.

Labcorp Genetics (formerly Invitae), Labcorp
Classification: Pathogenic for Osteogenesis imperfecta type 8. Last evaluated: 2026-02-02. Review status: criteria provided, single submitter. Criteria: Invitae Variant Classification Sherloc (09022015). Collection method: clinical testing. Allele origin: germline.
Comment: This sequence change affects a donor splice site in intron 5 of the P3H1 gene. It is expected to disrupt RNA splicing. Variants that disrupt the donor or acceptor splice site typically lead to a loss of protein function (PMID: 16199547), and loss-of-function variants in P3H1 are known to be pathogenic (PMID: 17277775, 18566967, 19088120, 22281939). This variant is present in population databases (rs72659351, gnomAD 0.2%). Disruption of this splice site has been observed in individual(s) with osteogenesis imperfecta (PMID: 17277775, 22281939, 27509835, 29150909). In at least one individual the data is consistent with being in trans (on the opposite chromosome) from a pathogenic variant. ClinVar contains an entry for this variant (Variation ID: 1253). Algorithms developed to predict the effect of sequence changes on RNA splicing suggest that this variant may disrupt the consensus splice site. For these reasons, this variant has been classified as Pathogenic.

Clinical Biomedical Laboratory, Shriners Hospital For Children - Canada
Classification: Pathogenic for Osteogenesis imperfecta type III. Last evaluated: 2025-10-05. Review status: criteria provided, single submitter. Criteria: ACMG Guidelines, 2015. Collection method: clinical testing. Allele origin: germline. Affected: yes.
Comment: This variant affects a canonical splice donor site. Functional analysis of fibroblasts from affected patients carrying this variant demonstrated decreased transcript, absent P3H1 protein expression, and impaired collagen secretion (PMID: 22281939). We have observed this variant in the Shriners Hospital for Children Canada variant database for the condition of osteogenesis imperfecta.

Blueprint Genetics
Classification: Pathogenic for P3H1-related disorders. Last evaluated: 2024-11-13. Review status: criteria provided, single submitter. Criteria: ACMG Guidelines, 2015. Collection method: clinical testing. Allele origin: germline. Affected: yes. Observed: 3 variant alleles.

Genome-Nilou Lab
Classification: Pathogenic for Osteogenesis imperfecta type 8. Last evaluated: 2023-04-11. Review status: criteria provided, single submitter. Criteria: ACMG Guidelines, 2015. Collection method: clinical testing. Allele origin: germline. Affected: no.

Greenwood Genetic Center Diagnostic Laboratories, Greenwood Genetic Center
Classification: Pathogenic for Osteogenesis imperfecta type 8. Last evaluated: 2023-03-12. Review status: criteria provided, single submitter. Criteria: ACMG Guidelines, 2015. Collection method: clinical testing. Allele origin: germline. Affected: yes.
Comment: PVS1, PS3, PM3_Strong

CeGaT Center for Human Genetics Tuebingen
Classification: Pathogenic. Last evaluated: 2022-11-01. Review status: criteria provided, single submitter. Criteria: CeGaT Center For Human Genetics Tuebingen Variant Classification Criteria Version 2. Collection method: clinical testing. Allele origin: germline. Affected: yes. Observed: 1 variant allele.
Comment: P3H1: PVS1, PM2, PM3

GeneDx
Classification: Pathogenic. Last evaluated: 2022-04-12. Review status: criteria provided, single submitter. Criteria: GeneDx Variant Classification Process June 2021. Collection method: clinical testing. Allele origin: germline. Affected: yes.
Comment: Common founder splice variant in individuals of West African ancestry (Cabral et al., 2012); Canonical splice site variant in a gene for which loss-of-function is a known mechanism of disease; This variant is associated with the following publications: (PMID: 24498616, 27644073, 27509835, 29150909, 25525159, 17277775, 27383115, 26634552, 26525746, 30246063, 31085342, 31429852, 31589614, 32123938, 22281939)

Laboratorio de Genetica e Diagnostico Molecular, Hospital Israelita Albert Einstein
Classification: Pathogenic for Osteogenesis imperfecta type 8. Last evaluated: 2022-04-06. Review status: criteria provided, single submitter. Criteria: ACMG Guidelines, 2015. Collection method: clinical testing. Allele origin: germline. Affected: yes. Observed: 1 variant allele.
Comment: ACMG classification criteria: PVS1 very strong, PS4 strong, PM2 moderated, PM3 strong, PP1 strong

ARUP Laboratories, Molecular Genetics and Genomics, ARUP Laboratories
Classification: Pathogenic for Osteogenesis imperfecta type 8. Last evaluated: 2020-03-12. Review status: criteria provided, single submitter. Criteria: ARUP Molecular Germline Variant Investigation Process. Collection method: clinical testing. Allele origin: germline.
Comment: The P3H1 c.1080+1G>T variant (rs72659351) is a West African founder mutation that has been described in the homozygous and compound heterozygous states in multiple individuals affected with osteogenesis imperfecta (Cabral 2007, Cabral 2012, Fratzl-Zelman 2016). It is reported as pathogenic in ClinVar (Variation ID: 1253) and observed in the African population at an overall frequency of 0.25% (59/24040 alleles) in the Genome Aggregation Database. This variant abolishes the canonical splice donor site of intron 5, and analysis of fibroblasts from affected patients carrying this variant demonstrated decreased transcript, absent P3H1 protein expression, and impaired collagen secretion (Cabral 2007). Based on available information, this variant is considered pathogenic. REFERENCES Cabral WA et al. Prolyl 3-hydroxylase 1 deficiency causes a recessive metabolic bone disorder resembling lethal/severe osteogenesis imperfecta. Nat Genet. 2007 Mar;39(3):359-65. Cabral WA et al. A founder mutation in LEPRE1 carried by 1.5% of West Africans and 0.4% of African Americans causes lethal recessive osteogenesis imperfecta. Genet Med. 2012 May;14(5):543-51. Fratzl-Zelman N et al. Non-Lethal Type VIII Osteogenesis Imperfecta Has Elevated Bone Matrix Mineralization. J Clin Endocrinol Metab. 2016 Sep;101(9):3516-25.

Fulgent Genetics
Classification: Pathogenic for Osteogenesis imperfecta type 8. Last evaluated: 2018-10-31. Review status: criteria provided, single submitter. Criteria: ACMG Guidelines, 2015. Collection method: clinical testing. Allele origin: unknown.

Genome Diagnostics Laboratory, The Hospital for Sick Children
Classification: Pathogenic for Osteogenesis imperfecta. Last evaluated: 2018-10-01. Review status: criteria provided, single submitter. Criteria: ACMG Guidelines, 2015. Collection method: clinical testing. Allele origin: germline.

Eurofins Ntd Llc (ga)
Classification: Pathogenic. Last evaluated: 2016-09-22. Review status: criteria provided, single submitter. Criteria: EGL Classification Definitions 2015. Collection method: clinical testing. Allele origin: germline. Observed: 5 variant alleles, 5 heterozygotes.

PreventionGenetics, part of Exact Sciences
Classification: Pathogenic for P3H1-related condition. Last evaluated: 2024-01-18. Review status: no assertion criteria provided. Collection method: clinical testing. Allele origin: germline. Not counted in ClinVar's aggregate classification.
Comment: The P3H1 c.1080+1G>T variant is predicted to disrupt the GT donor site and interfere with normal splicing. This variant is also referred to as IVS5+1G>T in the literature. It is a founder variant in individuals of West African descent and has been reported in the homozygous and compound heterozygous state in multiple individuals with autosomal recessive osteogenesis imperfecta (Cabral et al. 2007. PubMed ID: 17277775; Cabral et al. 2012. PubMed ID: 22281939; Fratzl-Zelman et al. 2016. PubMed ID: 27383115; Bardai et al. 2016. PubMed ID: 27509835; Santana et al. 2018. PubMed ID: 30246063; Trancozo et al. 2019. PubMed ID: 31429852). This variant is reported in 0.25% of alleles in individuals of African descent in gnomAD, which is consistent with this being a founder variant. Variants that disrupt the consensus splice donor site in P3H1 are expected to be pathogenic. This variant is interpreted as pathogenic.

OMIM
Classification: Pathogenic for OSTEOGENESIS IMPERFECTA, TYPE VIII. Last evaluated: 2012-05-01. Review status: no assertion criteria provided. Collection method: literature only. Allele origin: germline. Not counted in ClinVar's aggregate classification.

Literature cited by the submitters: PubMed 17277775 (cited by 3 submitters); PubMed 22281939 (cited by 4 submitters); PubMed 16199547 (cited by Labcorp Genetics (formerly Invitae), Labcorp); PubMed 18566967 (cited by Labcorp Genetics (formerly Invitae), Labcorp); PubMed 19088120 (cited by Labcorp Genetics (formerly Invitae), Labcorp); PubMed 27509835 (cited by Labcorp Genetics (formerly Invitae), Labcorp); PubMed 29150909 (cited by Labcorp Genetics (formerly Invitae), Labcorp).